The following is an entry in ClinVar:

ClinVar aggregate classification (germline): Likely benign. Review status: criteria provided, multiple submitters, no conflicts (2 of 4 stars). 2 submissions from 2 submitters: Likely benign (2). Last evaluated 2023-05-01.

Allele frequency attached by ClinVar (database versions not stated): 1000 Genomes Project 0.00080; 1000 Genomes Project 30x 0.00094; gnomAD exomes 0.00145 and 0.00193; ESP Exome Variant Server 0.00154; gnomAD 0.00156 and 0.00160; ExAC 0.00172; TOPMed 0.00175.
gnomAD v4.1: 2,494 of 1,614,088 alleles (0.15%); highest among the groups gnomAD compares: Middle Eastern, 3.5%; 19 homozygotes.

Submissions (2):

CeGaT Center for Human Genetics Tuebingen
Classification: Likely benign. Last evaluated: 2023-05-01. Review status: criteria provided, single submitter. Criteria: CeGaT Center For Human Genetics Tuebingen Variant Classification Criteria Version 2. Collection method: clinical testing. Allele origin: germline. Affected: yes. Observed: 2 variant alleles.
Comment: AKAP11: BP4, BP7

Breakthrough Genomics
Classification: Likely benign. Review status: criteria provided, single submitter. Criteria: ACMG Guidelines, 2015. Collection method: not provided. Allele origin: germline. Inheritance: Unknown mechanism. Affected: yes.

NM_016248.4(AKAP11):c.3951G>A (p.Pro1317=)

Gene: AKAP11 (A-kinase anchoring protein 11; plus strand). Cytogenetic location: 13q14.11.
Variant type: single nucleotide variant.
Coding change: c.3951G>A on transcript NM_016248.4 (MANE Select); coding-DNA position 3951, G replaced by A.
Protein change: p.Pro1317=; no amino-acid change (proline 1317 retained).
Molecular consequence: synonymous variant.
Genome position (GRCh38, 1-based): chr13:42,302,697, G>A. VCF-style: chr13-42302697-G-A. GRCh37 (hg19) VCF-style: chr13-42876833-G-A.
Identifiers: ClinVar variation 916155 (VCV000916155.41), dbSNP rs61755975, ClinGen allele CA6966706.